The following is an entry in ClinVar:

NM_000057.4(BLM):c.931G>C (p.Ala311Pro)

Gene: BLM (BLM RecQ like helicase; plus strand). Cytogenetic location: 15q26.1.
Variant type: single nucleotide variant.
Coding change: c.931G>C on transcript NM_000057.4 (MANE Select); coding-DNA position 931, G replaced by C.
Protein change: p.Ala311Pro; replaces alanine 311 with proline.
Molecular consequence: missense variant. On other transcripts: 5 prime UTR variant (1).
Genome position (GRCh38, 1-based): chr15:90,751,918, G>C. VCF-style: chr15-90751918-G-C. GRCh37 (hg19) VCF-style: chr15-91295148-G-C.
Other names: c.931G>C, p.Ala311Pro (NM_001287246.2, NM_001287247.2); c.-361G>C (NM_001287248.2); short protein forms A311P.
Identifiers: ClinVar variation 3618283 (VCV003618283.2).

ClinVar aggregate classification (germline): Uncertain significance (1 of 4 stars; one submission).

Conditions:
Bloom syndrome (BLM). Also called: Bloom-Torre-Machacek syndrome. Identifiers: Orphanet 125, MedGen C0005859, MONDO:0008876, OMIM 210900.

Submission:

Labcorp Genetics (formerly Invitae), Labcorp
Classification: Uncertain significance for Bloom syndrome. Last evaluated: 2024-10-07. Review status: criteria provided, single submitter. Criteria: Invitae Variant Classification Sherloc (09022015). Collection method: clinical testing. Allele origin: germline.
Comment: This sequence change replaces alanine, which is neutral and non-polar, with proline, which is neutral and non-polar, at codon 311 of the BLM protein (p.Ala311Pro). This variant is not present in population databases (gnomAD no frequency). This variant has not been reported in the literature in individuals affected with BLM-related conditions. Invitae Evidence Modeling of protein sequence and biophysical properties (such as structural, functional, and spatial information, amino acid conservation, physicochemical variation, residue mobility, and thermodynamic stability) indicates that this missense variant is not expected to disrupt BLM protein function with a negative predictive value of 80%. In summary, the available evidence is currently insufficient to determine the role of this variant in disease. Therefore, it has been classified as a Variant of Uncertain Significance.